The following is an entry in ClinVar:

ClinVar aggregate classification (germline): Uncertain significance (1 of 4 stars; one submission).

Conditions:
Idiopathic generalized epilepsy. Also called: Generalised epilepsy; EIG. Identifiers: MedGen C0270850, MONDO:0005579, OMIM 600669.

Allele frequency attached by ClinVar (database versions not stated): gnomAD 0.00001; TOPMed 0.00011; gnomAD exomes 0.00039.
gnomAD v4.1: 68 of 1,548,730 alleles (0.0044%); highest among the groups gnomAD compares: Admixed American, 0.13%; no homozygotes.

Submission:

Labcorp Genetics (formerly Invitae), Labcorp
Classification: Uncertain significance for Idiopathic generalized epilepsy. Last evaluated: 2026-02-03. Review status: criteria provided, single submitter. Criteria: Invitae Variant Classification Sherloc (09022015). Collection method: clinical testing. Allele origin: germline.
Comment: This sequence change replaces valine, which is neutral and non-polar, with methionine, which is neutral and non-polar, at codon 234 of the RBFOX3 protein (p.Val234Met). The frequency data for this variant in the population databases is considered unreliable, as metrics indicate poor data quality at this position in the gnomAD database. This variant has not been reported in the literature in individuals affected with RBFOX3-related conditions. ClinVar contains an entry for this variant (Variation ID: 651721). Invitae Evidence Modeling of protein sequence and biophysical properties (such as structural, functional, and spatial information, amino acid conservation, physicochemical variation, residue mobility, and thermodynamic stability) indicates that this missense variant is not expected to disrupt RBFOX3 protein function with a negative predictive value of 80%. In summary, the available evidence is currently insufficient to determine the role of this variant in disease. Therefore, it has been classified as a Variant of Uncertain Significance.

NM_001350451.2(RBFOX3):c.700G>A (p.Val234Met)

Gene: RBFOX3 (RNA binding fox-1 homolog 3; minus strand). Cytogenetic location: 17q25.3.
Variant type: single nucleotide variant.
Coding change: c.700G>A on transcript NM_001350451.2 (MANE Select); coding-DNA position 700, G replaced by A.
Protein change: p.Val234Met; replaces valine 234 with methionine.
Molecular consequence: missense variant.
Genome position (GRCh38, 1-based): chr17:79,097,347, C>T on the plus strand (G>A on the coding strand, the complement: RBFOX3 is on the minus strand). VCF-style: chr17-79097347-C-T. GRCh37 (hg19) VCF-style: chr17-77093429-C-T.
Other names: c.700G>A, p.Val234Met (NM_001082575.3, NM_001350453.2, NM_001385804.1 and 33 more transcripts); c.697G>A, p.Val233Met (NM_001385806.1, NM_001385822.1, NM_001385823.1 and 4 more transcripts); c.607G>A, p.Val203Met (NM_001385824.1); c.721G>A, p.Val241Met (NM_001385827.1); c.553G>A, p.Val185Met (NM_001385847.1); short protein forms V234M, V185M, V203M, V233M, V241M.
Identifiers: ClinVar variation 651721 (VCV000651721.8), dbSNP rs921899416, ClinGen allele CA294779853.